The following is an entry in ClinVar:

NM_012330.4(KAT6B):c.4737C>G (p.Asp1579Glu)

Gene: KAT6B (lysine acetyltransferase 6B; plus strand). Cytogenetic location: 10q22.2.
Variant type: single nucleotide variant.
Coding change: c.4737C>G on transcript NM_012330.4 (MANE Select); coding-DNA position 4737, C replaced by G.
Protein change: p.Asp1579Glu; replaces aspartic acid 1579 with glutamic acid.
Molecular consequence: missense variant.
Genome position (GRCh38, 1-based): chr10:75,029,561, C>G. VCF-style: chr10-75029561-C-G. GRCh37 (hg19) VCF-style: chr10-76789319-C-G.
Other names: c.3699C>G, p.Asp1233Glu (NM_001370132.1); c.3048C>G, p.Asp1016Glu (NM_001370133.1); c.2652C>G, p.Asp884Glu (NM_001370134.1); c.2394C>G, p.Asp798Glu (NM_001370135.1); c.4737C>G, p.Asp1579Glu (NM_001370136.1, NM_001370137.1); c.4188C>G, p.Asp1396Glu (NM_001370138.1, NM_001256468.2); c.3861C>G, p.Asp1287Glu (NM_001370139.1, NM_001370140.1, NM_001370141.1 and 2 more transcripts); c.3672C>G, p.Asp1224Glu (NM_001370143.1, NM_001370144.1); short protein forms D1224E, D1287E, D884E, D1233E, D1396E, D1016E, D1579E, D798E.
Identifiers: ClinVar variation 3719911 (VCV003719911.2).

ClinVar aggregate classification (germline): Uncertain significance (1 of 4 stars; one submission).

Conditions:
Genitopatellar syndrome (GTPTS). Also called: ABSENT PATELLAE, SCROTAL HYPOPLASIA, RENAL ANOMALIES, FACIAL DYSMORPHISM, AND MENTAL RETARDATION; Genitopatellar syndrome (GPS). Identifiers: Orphanet 85201, MedGen C1853566, MONDO:0011640, OMIM 606170.

Submission:

Labcorp Genetics (formerly Invitae), Labcorp
Classification: Uncertain significance for Genitopatellar syndrome. Last evaluated: 2025-06-12. Review status: criteria provided, single submitter. Criteria: Invitae Variant Classification Sherloc (09022015). Collection method: clinical testing. Allele origin: germline.
Comment: This sequence change replaces aspartic acid, which is acidic and polar, with glutamic acid, which is acidic and polar, at codon 1579 of the KAT6B protein (p.Asp1579Glu). This variant is not present in population databases (gnomAD no frequency). This variant has not been reported in the literature in individuals affected with KAT6B-related conditions. ClinVar contains an entry for this variant (Variation ID: 3719911). Invitae Evidence Modeling of protein sequence and biophysical properties (such as structural, functional, and spatial information, amino acid conservation, physicochemical variation, residue mobility, and thermodynamic stability) indicates that this missense variant is not expected to disrupt KAT6B protein function with a negative predictive value of 80%. In summary, the available evidence is currently insufficient to determine the role of this variant in disease. Therefore, it has been classified as a Variant of Uncertain Significance.